The following is an entry in ClinVar:

ClinVar aggregate classification (germline): Uncertain significance (1 of 4 stars; one submission).

Submission:

GeneDx
Classification: Uncertain significance. Last evaluated: 2024-04-25. Review status: criteria provided, single submitter. Criteria: GeneDx Variant Classification Process June 2021. Collection method: clinical testing. Allele origin: germline. Affected: yes.
Comment: Not observed at significant frequency in large population cohorts (gnomAD); In silico analysis supports that this missense variant has a deleterious effect on protein structure/function; Has not been previously published as pathogenic or benign to our knowledge

NM_001369268.1(ACAN):c.7471G>C (p.Val2491Leu)

Gene: ACAN (aggrecan; plus strand). Cytogenetic location: 15q26.1.
Variant type: single nucleotide variant.
Coding change: c.7471G>C on transcript NM_001369268.1 (MANE Select); coding-DNA position 7471, G replaced by C.
Protein change: p.Val2491Leu; replaces valine 2491 with leucine.
Molecular consequence: missense variant. On other transcripts: intron variant (1).
Genome position (GRCh38, 1-based): chr15:88,873,865, G>C. VCF-style: chr15-88873865-G-C. GRCh37 (hg19) VCF-style: chr15-89417096-G-C.
Other names: c.7243G>C, p.Val2415Leu (NM_001411096.1); c.7357G>C, p.Val2453Leu (NM_001411097.1, NM_013227.4); c.7220-540G>C (NM_001135.4); short protein forms V2415L, V2453L, V2491L.
Identifiers: ClinVar variation 3373101 (VCV003373101.1).